The following is an entry in ClinVar:

ClinVar aggregate classification (germline): Uncertain significance. Review status: criteria provided, multiple submitters, no conflicts (2 of 4 stars). 2 submissions from 2 submitters: Uncertain significance (2). Last evaluated 2023-10-03.

Submissions (2):

Blueprint Genetics
Classification: Uncertain significance. Last evaluated: 2023-10-03. Review status: criteria provided, single submitter. Criteria: ACMG Guidelines, 2015. Collection method: clinical testing. Allele origin: germline.

Labcorp Genetics (formerly Invitae), Labcorp
Classification: Uncertain significance. Last evaluated: 2020-06-13. Review status: criteria provided, single submitter. Criteria: Invitae Variant Classification Sherloc (09022015). Collection method: clinical testing. Allele origin: germline.
Comment: This sequence change falls in intron 21 of the PCDH15 gene. It does not directly change the encoded amino acid sequence of the PCDH15 protein, but it affects a nucleotide within the consensus splice site of the intron. This variant is not present in population databases (ExAC no frequency). This variant has not been reported in the literature in individuals with PCDH15-related conditions. Nucleotide substitutions within the consensus splice site are a relatively common cause of aberrant splicing (PMID: 17576681, 9536098). Algorithms developed to predict the effect of sequence changes on RNA splicing suggest that this variant may disrupt the consensus splice site, but this prediction has not been confirmed by published transcriptional studies. In summary, the available evidence is currently insufficient to determine the role of this variant in disease. Therefore, it has been classified as a Variant of Uncertain Significance.

Literature cited by the submitters: PubMed 17576681 (cited by Labcorp Genetics (formerly Invitae), Labcorp); PubMed 9536098 (cited by Labcorp Genetics (formerly Invitae), Labcorp).

NM_001384140.1(PCDH15):c.2868+4A>T

Gene: PCDH15 (protocadherin related 15; minus strand). Cytogenetic location: 10q21.1.
Variant type: single nucleotide variant.
Coding change: c.2868+4A>T on transcript NM_001384140.1 (MANE Select); 4 bases into the intron after coding-DNA position 2868, A replaced by T.
Molecular consequence: intron variant. On other transcripts: missense variant (1).
Genome position (GRCh38, 1-based): chr10:53,995,645, T>A on the plus strand (A>T on the coding strand, the complement: PCDH15 is on the minus strand). VCF-style: chr10-53995645-T-A. GRCh37 (hg19) VCF-style: chr10-55755405-T-A.
Other names: c.2872A>T, p.Ser958Cys (NM_001354430.2); c.2868+4A>T (NM_001354420.2, NM_001354429.2, NM_001142772.2 and 4 more transcripts); c.2883+4A>T (NM_001142771.2, NM_001142763.2); c.2889+4A>T (NM_001354411.2); c.2904+4A>T (NM_001142769.3); c.2802+4A>T (NM_001354404.2, NM_001142773.2, NM_001142768.2); c.2757+4A>T (NM_001142767.2); c.2655+4A>T (NM_001142765.2); short protein forms S958C.
Identifiers: ClinVar variation 1038143 (VCV001038143.5), dbSNP rs2091797981, ClinGen allele CA376514883.